The following is an entry in ClinVar:

NM_000133.4(F9):c.141T>A (p.Tyr47Ter)

Gene: F9 (coagulation factor IX; plus strand). Cytogenetic location: Xq27.1.
Variant type: single nucleotide variant.
Coding change: c.141T>A on transcript NM_000133.4 (MANE Select); coding-DNA position 141, T replaced by A.
Protein change: p.Tyr47Ter; replaces tyrosine 47 with a stop codon.
Molecular consequence: nonsense.
Genome position (GRCh38, 1-based): chrX:139,537,062, T>A. VCF-style: chrX-139537062-T-A. GRCh37 (hg19) VCF-style: chrX-138619221-T-A.
Other names: c.141T>A, p.Tyr47Ter (NM_001313913.2); short protein forms Y47*.
Identifiers: ClinVar variation 375451 (VCV000375451.1), dbSNP rs1556435929, ClinGen allele CA414435626.
Genomic context (GRCh38, chrX:139,537,062, plus strand): 5'-CATTTCAGTTTTTCTTGATCATGAAAACGCCAACAAAATTCTGAATCGGCCAAAGAGGTA[T>A]AATTCAGGTAAATTGGAAGAGTTTGTTCAAGGGAACCTTGAGAGAGAATGTATGGAAGAA-3'

ClinVar aggregate classification (germline): Likely pathogenic (0 of 4 stars; one submission).

Conditions:
Hereditary factor IX deficiency disease (HEMB). Also called: F9 DEFICIENCY; FACTOR IX DEFICIENCY; PLASMA THROMBOPLASTIN COMPONENT DEFICIENCY; Hemophilia B; Christmas Disease. Identifiers: Orphanet 98879, MedGen C0008533, MeSH D002836, MONDO:0010604, OMIM 306900.

Submission:

Institute of Basic Medical Sciences, Khyber Medical University, Peshawar
Classification: Likely pathogenic for Hereditary factor IX deficiency disease. Last evaluated: 2016-12-15. Review status: no assertion criteria provided. Collection method: research. Allele origin: inherited. Inheritance: X-linked inheritance. Affected: yes. Observed: 1 variant allele.
Comment: The variant is associated with Moderate Haemophilia B or Factor IX deficiency

Literature cited by the submitters: PubMed 28752769.